The following is an entry in ClinVar:

ClinVar aggregate classification (germline): Conflicting classifications of pathogenicity. Review status: criteria provided, conflicting classifications (1 of 4 stars). 2 submissions from 2 submitters: Uncertain significance (1); Likely benign (1). Last evaluated 2023-03-23.

Conditions:
Hereditary breast ovarian cancer syndrome. Also called: Breast and ovarian cancer; Hereditary breast and ovarian cancer; Hereditary breast and/or ovarian cancer syndrome; BRCA1- and BRCA2-Associated Hereditary Breast and Ovarian Cancer; Hereditary breast and ovarian cancer syndrome; Hereditary breast and ovarian cancer syndrome (HBOC). Identifiers: Orphanet 145, MedGen C0677776, MeSH D061325, MONDO:0003582. Disease mechanism: loss of function.
Hereditary cancer-predisposing syndrome. Also called: Tumor predisposition; Hereditary neoplastic syndrome; Neoplastic Syndromes, Hereditary; Hereditary Cancer Syndrome. Identifiers: Orphanet 140162, MedGen C0027672, MeSH D009386, MONDO:0015356.

Submissions (2):

University of Washington Department of Laboratory Medicine, University of Washington
Classification: Likely benign for Hereditary cancer-predisposing syndrome. Last evaluated: 2023-03-23. Review status: criteria provided, single submitter. Criteria: Dines et al. (Genet Med. 2020). Collection method: curation. Allele origin: germline.
Comment: Missense variant in a coldspot region where missense variants are very unlikely to be pathogenic (PMID:31911673).

BRCA1 coldspot (exon 11 using historical exon numbering). Reclassification based on statistical prior probability

Labcorp Genetics (formerly Invitae), Labcorp
Classification: Uncertain significance for Hereditary breast ovarian cancer syndrome. Last evaluated: 2020-03-18. Review status: criteria provided, single submitter. Criteria: Invitae Variant Classification Sherloc (09022015). Collection method: clinical testing. Allele origin: germline.
Comment: This sequence change replaces phenylalanine with valine at codon 709 of the BRCA1 protein (p.Phe709Val). The phenylalanine residue is moderately conserved and there is a small physicochemical difference between phenylalanine and valine. This variant is not present in population databases (ExAC no frequency). This variant has not been reported in the literature in individuals with BRCA1-related conditions. Algorithms developed to predict the effect of missense changes on protein structure and function output the following: SIFT: "Tolerated"; PolyPhen-2: "Benign"; Align-GVGD: "Class C0". The valine amino acid residue is found in multiple mammalian species, suggesting that this missense change does not adversely affect protein function. These predictions have not been confirmed by published functional studies and their clinical significance is uncertain. In summary, the available evidence is currently insufficient to determine the role of this variant in disease. Therefore, it has been classified as a Variant of Uncertain Significance.

NM_007294.4(BRCA1):c.2125T>G (p.Phe709Val)

Gene: BRCA1 (BRCA1 DNA repair associated; minus strand). Cytogenetic location: 17q21.31.
Variant type: single nucleotide variant.
Coding change: c.2125T>G on transcript NM_007294.4 (MANE Select); coding-DNA position 2125, T replaced by G.
Protein change: p.Phe709Val; replaces phenylalanine 709 with valine.
Molecular consequence: missense variant. On other transcripts: intron variant (137).
Genome position (GRCh38, 1-based): chr17:43,093,406, A>C on the plus strand (T>G on the coding strand, the complement: BRCA1 is on the minus strand). VCF-style: chr17-43093406-A-C. GRCh37 (hg19) VCF-style: chr17-41245423-A-C.
Other names: c.1981T>G, p.Phe661Val (NM_001407848.1, NM_001407849.1, NM_001407740.1 and 20 more transcripts); c.1984T>G, p.Phe662Val (NM_001407850.1, NM_001407851.1, NM_001407852.1 and 29 more transcripts); c.1912T>G, p.Phe638Val (NM_001407853.1, NM_001407894.1, NM_001407895.1 and 9 more transcripts); c.1915T>G, p.Phe639Val (NM_001407889.1, NM_001407879.1, NM_001407881.1 and 13 more transcripts); c.2125T>G, p.Phe709Val (NM_001407854.1, NM_001407858.1, NM_001407859.1 and 30 more transcripts); c.2122T>G, p.Phe708Val (NM_001407860.1, NM_001407861.1, NM_001407587.1 and 22 more transcripts); c.1924T>G, p.Phe642Val (NM_001407862.1); c.2002T>G, p.Phe668Val (NM_001407863.1, NM_001407648.1, NM_001407664.1 and 19 more transcripts); and 41 more; short protein forms F662V, F709V, F581V, F598V, F541V, F597V, F621V, F638V.
Identifiers: ClinVar variation 844787 (VCV000844787.21), dbSNP rs2053822369, ClinGen allele CA10597755.